The following is an entry in ClinVar:

NM_000718.4(CACNA1B):c.3052C>T (p.Arg1018Trp)

Gene: CACNA1B (calcium voltage-gated channel subunit alpha1 B; plus strand). Cytogenetic location: 9q34.3.
Variant type: single nucleotide variant.
Coding change: c.3052C>T on transcript NM_000718.4 (MANE Select); coding-DNA position 3052, C replaced by T.
Protein change: p.Arg1018Trp; replaces arginine 1018 with tryptophan.
Molecular consequence: missense variant.
Genome position (GRCh38, 1-based): chr9:138,023,795, C>T. VCF-style: chr9-138023795-C-T. GRCh37 (hg19) VCF-style: chr9-140918247-C-T.
Other names: c.3052C>T, p.Arg1018Trp (NM_001243812.2); short protein forms R1018W.
Identifiers: ClinVar variation 2193313 (VCV002193313.4), dbSNP rs1377061935, ClinGen allele CA375810709.

ClinVar aggregate classification (germline): Uncertain significance (1 of 4 stars; one submission).

Submission:

Labcorp Genetics (formerly Invitae), Labcorp
Classification: Uncertain significance. Last evaluated: 2022-08-09. Review status: criteria provided, single submitter. Criteria: Invitae Variant Classification Sherloc (09022015). Collection method: clinical testing. Allele origin: germline.
Comment: In summary, the available evidence is currently insufficient to determine the role of this variant in disease. Therefore, it has been classified as a Variant of Uncertain Significance. Advanced modeling of protein sequence and biophysical properties (such as structural, functional, and spatial information, amino acid conservation, physicochemical variation, residue mobility, and thermodynamic stability) performed at Invitae indicates that this missense variant is not expected to disrupt CACNA1B protein function. This variant has not been reported in the literature in individuals affected with CACNA1B-related conditions. This variant is not present in population databases (gnomAD no frequency). This sequence change replaces arginine, which is basic and polar, with tryptophan, which is neutral and slightly polar, at codon 1018 of the CACNA1B protein (p.Arg1018Trp).